The following is an entry in ClinVar:

ClinVar aggregate classification (germline): Uncertain significance (1 of 4 stars; one submission).

Conditions:
PKD1-related disorder. Also called: PKD1-related condition.

gnomAD v4.1: 12 of 1,609,274 alleles (0.00075%); highest among the groups gnomAD compares: Non-Finnish European, 0.001%; no homozygotes.

Submission:

PreventionGenetics, part of Exact Sciences
Classification: Uncertain significance for PKD1-related condition. Last evaluated: 2026-08-10. Review status: criteria provided, single submitter. Criteria: ACMG Guidelines, 2015. Collection method: clinical testing. Allele origin: germline.
Comment: The PKD1 c.8761C>T variant is predicted to result in the amino acid substitution p.His2921Tyr. This variant has been reported in an individual with polycystic kidney disease (Table S6, Carrera et al. 2016. PubMed ID: 27499327) and an individual with infantile cholestasis (Chet et al. 2019. PubMed ID: 30366773). This variant is reported in 0.0065% of alleles in individuals of European (non-Finnish) descent in gnomAD. Alternate variants at the same amino acid position (p.His2921Arg, p.His2921Pro) have been reported in individuals with polycystic kidney disease in ClinVar (Variation ID: 522514) and in the literature (Koptides et al. 2000. PubMed ID: 10923040). The p.His2921Pro variant has been shown to abolish normal proteolytic cleavage and affect protein folding (Qian et al. 2002. PubMed ID: 12482949; Araç et al. 2012. PubMed ID: 22333914). Although we suspect that the c.8761C>T variant may be pathogenic, at this time, the clinical significance of this variant is uncertain due to the absence of conclusive functional and genetic evidence.

NM_001009944.3(PKD1):c.8761C>T (p.His2921Tyr)

Gene: PKD1 (polycystin 1, transient receptor potential channel interacting; minus strand). Cytogenetic location: 16p13.3.
Variant type: single nucleotide variant.
Coding change: c.8761C>T on transcript NM_001009944.3 (MANE Select); coding-DNA position 8761, C replaced by T.
Protein change: p.His2921Tyr; replaces histidine 2921 with tyrosine.
Molecular consequence: missense variant.
Genome position (GRCh38, 1-based): chr16:2,103,296, G>A on the plus strand (C>T on the coding strand, the complement: PKD1 is on the minus strand). VCF-style: chr16-2103296-G-A. GRCh37 (hg19) VCF-style: chr16-2153297-G-A.
Other names: c.8761C>T, p.His2921Tyr (NM_000296.4); short protein forms H2921Y.
Identifiers: ClinVar variation 4977406 (VCV004977406.1).